The following is an entry in ClinVar:

ClinVar aggregate classification (germline): Uncertain significance. Review status: criteria provided, multiple submitters, no conflicts (2 of 4 stars). 2 submissions from 2 submitters: Uncertain significance (2). Last evaluated 2025-12-11.

Allele frequency attached by ClinVar (database versions not stated): ExAC 0.00003; gnomAD exomes 0.00003 and 0.00006; gnomAD 0.00004; TOPMed 0.00005.
gnomAD v4.1: 43 of 1,613,950 alleles (0.0027%); highest among the groups gnomAD compares: Middle Eastern, 0.016%; no homozygotes.

Submissions (2):

Ambry Genetics
Classification: Uncertain significance. Last evaluated: 2025-12-11. Review status: criteria provided, single submitter. Criteria: Ambry Variant Classification Scheme 2023. Collection method: clinical testing. Allele origin: germline.

Labcorp Genetics (formerly Invitae), Labcorp
Classification: Uncertain significance. Last evaluated: 2025-11-03. Review status: criteria provided, single submitter. Criteria: Invitae Variant Classification Sherloc (09022015). Collection method: clinical testing. Allele origin: germline.
Comment: This sequence change replaces threonine, which is neutral and polar, with methionine, which is neutral and non-polar, at codon 257 of the OAS1 protein (p.Thr257Met). This variant is present in population databases (rs766223435, gnomAD 0.04%), and has an allele count higher than expected for a pathogenic variant. This variant has not been reported in the literature in individuals affected with OAS1-related conditions. ClinVar contains an entry for this variant (Variation ID: 1421936). An algorithm developed to predict the effect of missense changes on protein structure and function (PolyPhen-2) suggests that this variant is likely to be disruptive. In summary, the available evidence is currently insufficient to determine the role of this variant in disease. Therefore, it has been classified as a Variant of Uncertain Significance.

NM_016816.4(OAS1):c.770C>T (p.Thr257Met)

Gene: OAS1 (2'-5'-oligoadenylate synthetase 1; plus strand). Cytogenetic location: 12q24.13.
Variant type: single nucleotide variant.
Coding change: c.770C>T on transcript NM_016816.4 (MANE Select); coding-DNA position 770, C replaced by T.
Protein change: p.Thr257Met; replaces threonine 257 with methionine.
Molecular consequence: missense variant.
Genome position (GRCh38, 1-based): chr12:112,916,624, C>T. VCF-style: chr12-112916624-C-T. GRCh37 (hg19) VCF-style: chr12-113354429-C-T.
Other names: c.770C>T (NM_016816.2); c.770C>T, p.Thr257Met (NM_001032409.3, NM_001320151.2, NM_002534.4); short protein forms T257M.
Identifiers: ClinVar variation 1421936 (VCV001421936.8), dbSNP rs766223435, ClinGen allele CA6799886.